The following is an entry in ClinVar:

NM_016169.4(SUFU):c.129C>T (p.Arg43=)

Gene: SUFU (SUFU negative regulator of hedgehog signaling; plus strand). Cytogenetic location: 10q24.32.
Variant type: single nucleotide variant.
Coding change: c.129C>T on transcript NM_016169.4 (MANE Select); coding-DNA position 129, C replaced by T.
Protein change: p.Arg43=; no amino-acid change (arginine 43 retained).
Molecular consequence: synonymous variant.
Genome position (GRCh38, 1-based): chr10:102,504,281, C>T. VCF-style: chr10-102504281-C-T. GRCh37 (hg19) VCF-style: chr10-104264038-C-T.
Other names: c.129C>T, p.Arg43= (NM_001178133.2).
Identifiers: ClinVar variation 1141280 (VCV001141280.35), dbSNP rs1453485604, ClinGen allele CA471304870.
Genomic context (GRCh38, chr10:102,504,281, plus strand): 5'-CCCGGCCTTCGCTTCGCTCTTTCCCCCGGGACTGCACGCCATCTACGGAGAGTGCCGCCG[C>T]CTTTACCCTGACCAGCCGAACCCGCTCCAGGTTACCGCTATCGTCAAGTACTGGTATGCT-3'
Protein context (NP_057253.2, residues 33-53): GLHAIYGECR[Arg43=]LYPDQPNPLQ

ClinVar aggregate classification (germline): Likely benign. Review status: criteria provided, multiple submitters, no conflicts (2 of 4 stars). 3 submissions from 3 submitters: Likely benign (3). Last evaluated 2024-10-01.

Conditions:
Gorlin syndrome. Also called: Nevoid Basal Cell Carcinoma Syndrome; Basal cell nevus syndrome. Identifiers: Orphanet 377, MedGen C0004779, MONDO:0007187.
Medulloblastoma (MDB). Also called: MEDULLOBLASTOMA PREDISPOSITION SYNDROME; Medulloblastoma, somatic. Identifiers: Orphanet 616, MedGen C0025149, MeSH D008527, MONDO:0007959, OMIM 155255, HP:0002885.
Hereditary cancer-predisposing syndrome. Also called: Tumor predisposition; Hereditary neoplastic syndrome; Hereditary Cancer Syndrome; Neoplastic Syndromes, Hereditary. Identifiers: Orphanet 140162, MedGen C0027672, MeSH D009386, MONDO:0015356.

gnomAD v4.1: 4 of 1,614,082 alleles (0.00025%); highest among the groups gnomAD compares: South Asian, 0.0033%; no homozygotes.

Submissions (3):

Labcorp Genetics (formerly Invitae), Labcorp
Classification: Likely benign for Gorlin syndrome; Medulloblastoma. Last evaluated: 2024-10-01. Review status: criteria provided, single submitter. Criteria: Invitae Variant Classification Sherloc (09022015). Collection method: clinical testing. Allele origin: germline.

CeGaT Center for Human Genetics Tuebingen
Classification: Likely benign. Last evaluated: 2023-03-01. Review status: criteria provided, single submitter. Criteria: CeGaT Center For Human Genetics Tuebingen Variant Classification Criteria Version 2. Collection method: clinical testing. Allele origin: germline. Affected: yes. Observed: 1 variant allele.
Comment: SUFU: BP4, BP7

Ambry Genetics
Classification: Likely benign for Hereditary cancer-predisposing syndrome. Last evaluated: 2020-10-29. Review status: criteria provided, single submitter. Criteria: Ambry Variant Classification Scheme 2023. Collection method: clinical testing. Allele origin: germline.